The following is an entry in ClinVar:

ClinVar aggregate classification (germline): Uncertain significance (1 of 4 stars; one submission).

Conditions:
Autosomal dominant limb-girdle muscular dystrophy type 1G (LGMDD3). Also called: Limb-girdle muscular dystrophy, type 1G; MUSCULAR DYSTROPHY, LIMB-GIRDLE, AUTOSOMAL DOMINANT 3. Identifiers: Orphanet 55596, MedGen C1836765, MONDO:0012193, OMIM 609115.

Submission:

Labcorp Genetics (formerly Invitae), Labcorp
Classification: Uncertain significance for Autosomal dominant limb-girdle muscular dystrophy type 1G. Last evaluated: 2022-02-18. Review status: criteria provided, single submitter. Criteria: Invitae Variant Classification Sherloc (09022015). Collection method: clinical testing. Allele origin: germline.
Comment: Algorithms developed to predict the effect of missense changes on protein structure and function are either unavailable or do not agree on the potential impact of this missense change (SIFT: "Deleterious"; PolyPhen-2: "Possibly Damaging"; Align-GVGD: "Class C0"). This variant has not been reported in the literature in individuals affected with HNRNPDL-related conditions. This variant is not present in population databases (gnomAD no frequency). This sequence change replaces proline, which is neutral and non-polar, with arginine, which is basic and polar, at codon 11 of the HNRNPDL protein (p.Pro11Arg). In summary, the available evidence is currently insufficient to determine the role of this variant in disease. Therefore, it has been classified as a Variant of Uncertain Significance.

NM_031372.4(HNRNPDL):c.32C>G (p.Pro11Arg)

Gene: HNRNPDL (heterogeneous nuclear ribonucleoprotein D like; minus strand). Cytogenetic location: 4q21.22.
Variant type: single nucleotide variant.
Coding change: c.32C>G on transcript NM_031372.4 (MANE Select); coding-DNA position 32, C replaced by G.
Protein change: p.Pro11Arg; replaces proline 11 with arginine.
Molecular consequence: missense variant. On other transcripts: non-coding transcript variant (1).
Genome position (GRCh38, 1-based): chr4:82,429,659, G>C on the plus strand (C>G on the coding strand, the complement: HNRNPDL is on the minus strand). VCF-style: chr4-82429659-G-C. GRCh37 (hg19) VCF-style: chr4-83350812-G-C.
Other names: c.32C>G, p.Pro11Arg (NM_001207000.1); short protein forms P11R.
Identifiers: ClinVar variation 1945772 (VCV001945772.5), dbSNP rs1297909349, ClinGen allele CA357174120.